The following is an entry in ClinVar:

NM_021625.5(TRPV4):c.2459-9T>G

Gene: TRPV4 (transient receptor potential cation channel subfamily V member 4; minus strand). Cytogenetic location: 12q24.11.
Variant type: single nucleotide variant.
Coding change: c.2459-9T>G on transcript NM_021625.5 (MANE Select); 9 bases into the intron before coding-DNA position 2459, T replaced by G.
Molecular consequence: intron variant.
Genome position (GRCh38, 1-based): chr12:109,783,787, A>C on the plus strand (T>G on the coding strand, the complement: TRPV4 is on the minus strand). VCF-style: chr12-109783787-A-C. GRCh37 (hg19) VCF-style: chr12-110221592-A-C.
Other names: p.?; c.2138-9T>G (NM_001177433.1); c.2318-9T>G (NM_001177428.1); c.2279-9T>G (NM_147204.2); c.2357-9T>G (NM_001177431.1).
Identifiers: ClinVar variation 261418 (VCV000261418.37), dbSNP rs115373018, ClinGen allele CA6779887.
Genomic context (GRCh38, chr12:109,783,787, plus strand): 5'-TTCGAGTTCTTGTTCAGTTCCACCACGCGGGGTACCACCGAGGACCAGCGATCTGCACCG[A>C]GAGCACATCAGAGGGAGGGGTGGGGGTTGGTGGAGAGAGAGCGTGCGTATATTGAGTGCC-3'

ClinVar aggregate classification (germline): Benign. Review status: criteria provided, multiple submitters, no conflicts (2 of 4 stars). 18 submissions from 13 submitters: Benign (15). 3 of the submissions do not count toward it. Last evaluated 2026-02-03.

Conditions:
Charcot-Marie-Tooth disease. Also called: Charcot-Marie-Tooth Hereditary Neuropathy; Charcot-Marie-Tooth Neuropathy. Identifiers: Orphanet 166, MedGen C0007959, MONDO:0015626.
Connective tissue disorder. Also called: Connective tissue disease. Identifiers: MedGen C0009782, MONDO:0003900.
Metatropic dysplasia (MTD). Also called: Metatropic Dysplasia, TRPV4-Related; Metatropic dysplasia, nonlethal dominant; METATROPIC DWARFISM. Identifiers: Orphanet 2635, MedGen C0265281, MONDO:0007986, OMIM 156530.
Brachyrachia (short spine dysplasia) (BCYM3). Also called: Brachyolmia, TRPV4-Related; Brachyolmia Type 3; BRACHYRACHIA; Autosomal dominant brachyolmia. Identifiers: Orphanet 93304, MedGen C0432227, MONDO:0007232, OMIM 113500.
Scapuloperoneal spinal muscular atrophy (SPSMA). Also called: Scapuloperoneal Spinal Muscular Atrophy, TRPV4-Related; AMYOTROPHY, NEUROGENIC SCAPULOPERONEAL, NEW ENGLAND TYPE; Scapuloperoneal Form of Spinal Muscular Atrophy; Scapuloperoneal spinal muscular atrophy, autosomal dominant. Identifiers: Orphanet 431255, MedGen C0751335, MONDO:0008408, OMIM 181405.
Neuronopathy, distal hereditary motor, autosomal dominant 8. Also called: SPINAL MUSCULAR ATROPHY, CONGENITAL BENIGN, WITH CONTRACTURES; NEURONOPATHY, DISTAL HEREDITARY MOTOR, TYPE VIII; NEUROPATHY, DISTAL HEREDITARY MOTOR, TYPE VIII; Autosomal dominant congenital benign spinal muscular atrophy. Identifiers: Orphanet 1216, MedGen C1838492, MONDO:0010839, OMIM 600175.
Spondylometaphyseal dysplasia, Kozlowski type (SMDK). Also called: Spondylometaphyseal Dysplasia, TRPV4-Related (Kozlowski Type); Dysmorphism arthrogryposis skeletal maturation advanced; Jequier-Kozlowski syndrome; Skeletal dysplasia Jequier-Kozlowski type; SMD Kozlowski type. Identifiers: Orphanet 93314, MedGen C0265280, MONDO:0008477, OMIM 184252.
Charcot-Marie-Tooth disease axonal type 2C (HMSN2C). Also called: Charcot-Marie-Tooth Disease Type 2, TRPV4-Related (CMT2C); CHARCOT-MARIE-TOOTH DISEASE, AXONAL, AUTOSOMAL DOMINANT, TYPE 2C; Charcot-Marie-Tooth Neuropathy Type 2C. Identifiers: Orphanet 99937, MedGen C1853710, MONDO:0011633, OMIM 606071.

Allele frequency attached by ClinVar (database versions not stated): 1000 Genomes Project 0.02516; 1000 Genomes Project 30x 0.02686; ESP Exome Variant Server 0.02791; gnomAD exomes 0.01242 and 0.01296; ExAC 0.01397; gnomAD 0.02566 and 0.02700; TOPMed 0.02683.
gnomAD v4.1: 21,887 of 1,610,206 alleles (1.4%); highest among the groups gnomAD compares: African/African-American, 6.4%; 274 homozygotes.

Submissions 1 to 23 of 35:

Labcorp Genetics (formerly Invitae), Labcorp
Classification: Benign for Charcot-Marie-Tooth disease axonal type 2C. Last evaluated: 2026-02-03. Review status: criteria provided, single submitter. Criteria: Invitae Variant Classification Sherloc (09022015). Collection method: clinical testing. Allele origin: germline.

ARUP Laboratories, Molecular Genetics and Genomics, ARUP Laboratories
Classification: Benign. Last evaluated: 2025-07-16. Review status: criteria provided, single submitter. Criteria: ARUP Molecular Germline Variant Investigation Process 2024. Collection method: clinical testing. Allele origin: germline.

Genome Diagnostics Laboratory, The Hospital for Sick Children
Classification: Benign for Connective tissue disorder. Last evaluated: 2022-03-12. Review status: criteria provided, single submitter. Criteria: ACMG Guidelines, 2015. Collection method: clinical testing. Allele origin: germline.

Illumina Laboratory Services, Illumina
Classification: Benign for Charcot-Marie-Tooth disease axonal type 2C. Last evaluated: 2018-01-13. Review status: criteria provided, single submitter. Criteria: ICSL Variant Classification Criteria 13 December 2019. Collection method: clinical testing. Allele origin: germline.
Comment: This variant was observed in the ICSL laboratory as part of a predisposition screen in an ostensibly healthy population. It had not been previously curated by ICSL or reported in the Human Gene Mutation Database (HGMD: prior to June 1st, 2018), and was therefore a candidate for classification through an automated scoring system. Utilizing variant allele frequency, disease prevalence and penetrance estimates, and inheritance mode, an automated score was calculated to assess if this variant is too frequent to cause the disease. Based on the score and internal cut-off values, a variant classified as benign is not then subjected to further curation. The score for this variant resulted in a classification of benign for this disease.

Illumina Laboratory Services, Illumina
Classification: Benign for Neuronopathy, distal hereditary motor, autosomal dominant 8. Last evaluated: 2018-01-13. Review status: criteria provided, single submitter. Criteria: ICSL Variant Classification Criteria 13 December 2019. Collection method: clinical testing. Allele origin: germline.
Comment: the same text as in the submission from Illumina Laboratory Services, Illumina above.

Illumina Laboratory Services, Illumina
Classification: Benign for Spondylometaphyseal dysplasia, Kozlowski type. Last evaluated: 2018-01-13. Review status: criteria provided, single submitter. Criteria: ICSL Variant Classification Criteria 13 December 2019. Collection method: clinical testing. Allele origin: germline.
Comment: the same text as in the submission from Illumina Laboratory Services, Illumina above.

Illumina Laboratory Services, Illumina
Classification: Benign for Scapuloperoneal spinal muscular atrophy. Last evaluated: 2018-01-13. Review status: criteria provided, single submitter. Criteria: ICSL Variant Classification Criteria 13 December 2019. Collection method: clinical testing. Allele origin: germline.
Comment: the same text as in the submission from Illumina Laboratory Services, Illumina above.

Illumina Laboratory Services, Illumina
Classification: Benign for Brachyrachia (short spine dysplasia). Last evaluated: 2018-01-13. Review status: criteria provided, single submitter. Criteria: ICSL Variant Classification Criteria 13 December 2019. Collection method: clinical testing. Allele origin: germline.
Comment: the same text as in the submission from Illumina Laboratory Services, Illumina above.

Illumina Laboratory Services, Illumina
Classification: Benign for Metatropic dysplasia. Last evaluated: 2018-01-13. Review status: criteria provided, single submitter. Criteria: ICSL Variant Classification Criteria 13 December 2019. Collection method: clinical testing. Allele origin: germline.
Comment: the same text as in the submission from Illumina Laboratory Services, Illumina above.

Athena Diagnostics
Classification: Benign. Last evaluated: 2017-08-07. Review status: criteria provided, single submitter. Criteria: Athena Diagnostics Criteria. Collection method: clinical testing. Allele origin: germline.

Mayo Clinic Laboratories, Mayo Clinic
Classification: Benign. Last evaluated: 2016-04-14. Review status: criteria provided, single submitter. Criteria: ACMG Guidelines, 2015. Collection method: clinical testing. Allele origin: germline. Observed: 57 variant alleles.

GeneDx
Classification: Benign. Last evaluated: 2015-03-03. Review status: criteria provided, single submitter. Criteria: GeneDx Variant Classification Process June 2021. Collection method: clinical testing. Allele origin: germline. Affected: yes.

Breakthrough Genomics
Classification: Benign. Review status: criteria provided, single submitter. Criteria: ACMG Guidelines, 2015. Collection method: not provided. Allele origin: germline. Inheritance: Autosomal dominant inheritance. Affected: yes.

Molecular Genetics Laboratory, London Health Sciences Centre
Classification: Benign for Charcot-Marie-Tooth disease. Review status: criteria provided, single submitter. Criteria: ACMG Guidelines, 2015. Collection method: clinical testing. Allele origin: germline. Affected: yes.

PreventionGenetics, part of Exact Sciences
Classification: Benign. Review status: criteria provided, single submitter. Criteria: ACMG Guidelines, 2015. Collection method: clinical testing. Allele origin: germline.

Clinical Genetics, Academic Medical Center
Classification: Benign. Review status: no assertion criteria provided. Collection method: clinical testing. Allele origin: germline. Affected: yes. Study: VKGL Data-share Consensus. Not counted in ClinVar's aggregate classification.

Dr. Peter K. Rogan Lab, Western University
No classification provided (evidence only). Condition: Lung cancer. Review status: no classification provided. Collection method: in vitro. Allele origin: not applicable. Functional consequence: retained intron. Not counted in ClinVar's aggregate classification.

Dr. Peter K. Rogan Lab, Western University
No classification provided (evidence only). Condition: Lung cancer. Review status: no classification provided. Collection method: in vitro. Allele origin: not applicable. Functional consequence: retained intron. Not counted in ClinVar's aggregate classification.

Dr. Peter K. Rogan Lab, Western University
No classification provided (evidence only). Condition: Uterine corpus endometrial carcinoma. Review status: no classification provided. Collection method: in vitro. Allele origin: not applicable. Functional consequence: retained intron. Not counted in ClinVar's aggregate classification.

Dr. Peter K. Rogan Lab, Western University
No classification provided (evidence only). Condition: Uterine corpus endometrial carcinoma. Review status: no classification provided. Collection method: in vitro. Allele origin: not applicable. Functional consequence: retained intron. Not counted in ClinVar's aggregate classification.

Dr. Peter K. Rogan Lab, Western University
No classification provided (evidence only). Condition: Uterine corpus endometrial carcinoma. Review status: no classification provided. Collection method: in vitro. Allele origin: not applicable. Functional consequence: retained intron. Not counted in ClinVar's aggregate classification.

Dr. Peter K. Rogan Lab, Western University
No classification provided (evidence only). Condition: Uterine corpus endometrial carcinoma. Review status: no classification provided. Collection method: in vitro. Allele origin: not applicable. Functional consequence: retained intron. Not counted in ClinVar's aggregate classification.

Dr. Peter K. Rogan Lab, Western University
No classification provided (evidence only). Condition: Uterine corpus endometrial carcinoma. Review status: no classification provided. Collection method: in vitro. Allele origin: not applicable. Functional consequence: retained intron. Not counted in ClinVar's aggregate classification.